The following is an entry in ClinVar:

NM_018668.5(VPS33B):c.1609_1657+9del

Gene: VPS33B (VPS33B late endosome and lysosome associated; minus strand). Cytogenetic location: 15q26.1.
Variant type: Deletion.
Coding change: c.1609_1657+9del on transcript NM_018668.5 (MANE Select); coding-DNA position 1609 through 9 bases into the intron after coding-DNA position 1657, 58 bases deleted.
Molecular consequence: splice donor variant.
Genome position (GRCh38, 1-based): chr15:90,999,891-90,999,948, 58 bases deleted. GRCh37 (hg19): chr15:91,543,124-91,543,181.
Other names: c.1528_1576+9del (NM_001289148.1); c.1336_1384+9del (NM_001289149.1).
Identifiers: ClinVar variation 4750157 (VCV004750157.1).

ClinVar aggregate classification (germline): Likely pathogenic (1 of 4 stars; one submission).

Submission:

Labcorp Genetics (formerly Invitae), Labcorp
Classification: Likely pathogenic. Last evaluated: 2025-12-20. Review status: criteria provided, single submitter. Criteria: Invitae Variant Classification Sherloc (09022015). Collection method: clinical testing. Allele origin: germline.
Comment: This variant results in the deletion of part of exon 21 (c.1609_1657+9del) of the VPS33B gene. It is expected to disrupt RNA splicing. Variants that disrupt the donor or acceptor splice site typically lead to a loss of protein function (PMID: 16199547), and loss-of-function variants in VPS33B are known to be pathogenic (PMID: 15052268, 16896922). This variant is not present in population databases (gnomAD no frequency). This variant has not been reported in the literature in individuals affected with VPS33B-related conditions. In summary, the currently available evidence indicates that the variant is pathogenic, but additional data are needed to prove that conclusively. Therefore, this variant has been classified as Likely Pathogenic.

Literature cited by the submitters: PubMed 16199547; PubMed 15052268; PubMed 16896922.